The following is an entry in ClinVar:

NC_012920.1(MT-ND4):m.11223T>C

Gene: MT-ND4 (mitochondrially encoded NADH dehydrogenase 4; plus strand).
Variant type: single nucleotide variant.
Genome position: chrM-11223-T-C.
Identifiers: ClinVar variation 693353 (VCV000693353.1), dbSNP rs1603223170, ClinGen allele CA414809730.
Genomic context (GRCh38, chrMT:11,223, plus strand): 5'-GATGAGGCAACCAGCCAGAACGCCTGAACGCAGGCACATACTTCCTATTCTACACCCTAG[T>C]AGGCTCCCTTCCCCTACTCATCGCACTAATTTACACTCACAACACCCTAGGCTCACTAAA-3'

ClinVar aggregate classification (germline): Uncertain significance (1 of 4 stars; one submission).

Conditions:
Leigh syndrome (NULS). Also called: Leigh's necrotizing encephalopathy; Leigh's disease; Leigh Syndrome (mtDNA deletion); Leigh Disease; Subacute necrotizing encephalopathy; Necrotizing encephalopathy infantile subacute of Leigh. Identifiers: Orphanet 506, MedGen C2931891, MONDO:0009723, OMIM 256000.

Submission:

Wong Mito Lab, Molecular and Human Genetics, Baylor College of Medicine
Classification: Uncertain significance for Leigh syndrome. Last evaluated: 2019-10-17. Review status: criteria provided, single submitter. Criteria: Modified ACMG Guidelines (Unpublished). Collection method: clinical testing. Allele origin: germline.
Comment: The NC_012920.1:m.11223T>C (YP_003024035.1:p.Val155Ala) variant in MTND4 gene is interpretated to be a Uncertain Significance variant based on the modified ACMG guidelines (unpublished). This variant meets the following evidence codes: PP7, BP4